The following is an entry in ClinVar:

ClinVar aggregate classification (germline): Uncertain significance (1 of 4 stars; one submission).

Allele frequency attached by ClinVar (database versions not stated): gnomAD 0.00001; gnomAD exomes 0.00001; ExAC 0.00002; TOPMed 0.00003.
gnomAD v4.1: 18 of 1,613,998 alleles (0.0011%); highest among the groups gnomAD compares: Admixed American, 0.0033%; no homozygotes.

Submission:

Labcorp Genetics (formerly Invitae), Labcorp
Classification: Uncertain significance. Last evaluated: 2023-10-23. Review status: criteria provided, single submitter. Criteria: Invitae Variant Classification Sherloc (09022015). Collection method: clinical testing. Allele origin: germline.
Comment: This sequence change replaces valine, which is neutral and non-polar, with isoleucine, which is neutral and non-polar, at codon 817 of the DSCAML1 protein (p.Val817Ile). This variant is present in population databases (rs761947783, gnomAD 0.007%). This variant has not been reported in the literature in individuals affected with DSCAML1-related conditions. ClinVar contains an entry for this variant (Variation ID: 1896911). An algorithm developed to predict the effect of missense changes on protein structure and function (PolyPhen-2) suggests that this variant is likely to be tolerated. In summary, the available evidence is currently insufficient to determine the role of this variant in disease. Therefore, it has been classified as a Variant of Uncertain Significance.

NM_020693.4(DSCAML1):c.2269G>A (p.Val757Ile)

Gene: DSCAML1 (DS cell adhesion molecule like 1; minus strand). Cytogenetic location: 11q23.3.
Variant type: single nucleotide variant.
Coding change: c.2269G>A on transcript NM_020693.4 (MANE Select); coding-DNA position 2269, G replaced by A.
Protein change: p.Val757Ile; replaces valine 757 with isoleucine.
Molecular consequence: missense variant.
Genome position (GRCh38, 1-based): chr11:117,503,935, C>T on the plus strand (G>A on the coding strand, the complement: DSCAML1 is on the minus strand). VCF-style: chr11-117503935-C-T. GRCh37 (hg19) VCF-style: chr11-117374650-C-T.
Other names: c.2269G>A, p.Val757Ile (NM_001367904.1); short protein forms V757I.
Identifiers: ClinVar variation 1896911 (VCV001896911.5), dbSNP rs761947783, ClinGen allele CA6297062.